The following is an entry in ClinVar:

ClinVar aggregate classification (germline): Uncertain significance (1 of 4 stars; one submission).

Conditions:
Charcot-Marie-Tooth disease type 4. Also called: Charcot-Marie-Tooth disease, type IV; Charcot-Marie-Tooth, Type 4. Identifiers: Orphanet 64749, MedGen C4082197, MONDO:0018995.

Allele frequency attached by ClinVar (database versions not stated): gnomAD exomes below 0.00001; ExAC 0.00001.
gnomAD v4.1: 3 of 1,610,942 alleles (0.00019%); highest among the groups gnomAD compares: Non-Finnish European, 0.00017%; no homozygotes.

Submission:

Labcorp Genetics (formerly Invitae), Labcorp
Classification: Uncertain significance for Charcot-Marie-Tooth disease type 4. Last evaluated: 2022-03-14. Review status: criteria provided, single submitter. Criteria: Invitae Variant Classification Sherloc (09022015). Collection method: clinical testing. Allele origin: germline.
Comment: Algorithms developed to predict the effect of missense changes on protein structure and function (SIFT, PolyPhen-2, Align-GVGD) all suggest that this variant is likely to be tolerated. In summary, the available evidence is currently insufficient to determine the role of this variant in disease. Therefore, it has been classified as a Variant of Uncertain Significance. This variant has not been reported in the literature in individuals affected with SBF2-related conditions. This sequence change replaces methionine, which is neutral and non-polar, with valine, which is neutral and non-polar, at codon 451 of the SBF2 protein (p.Met451Val). This variant is present in population databases (rs760991977, gnomAD 0.002%).

NM_030962.4(SBF2):c.1351A>G (p.Met451Val)

Gene: SBF2 (SET binding factor 2; minus strand). Cytogenetic location: 11p15.4.
Variant type: single nucleotide variant.
Coding change: c.1351A>G on transcript NM_030962.4 (MANE Select); coding-DNA position 1351, A replaced by G.
Protein change: p.Met451Val; replaces methionine 451 with valine.
Molecular consequence: missense variant.
Genome position (GRCh38, 1-based): chr11:9,989,541, T>C on the plus strand (A>G on the coding strand, the complement: SBF2 is on the minus strand). VCF-style: chr11-9989541-T-C. GRCh37 (hg19) VCF-style: chr11-10011088-T-C.
Other names: c.1351A>G, p.Met451Val (NM_001386339.1); c.1222A>G, p.Met408Val (NM_001386342.1); short protein forms M451V, M408V.
Identifiers: ClinVar variation 1953214 (VCV001953214.5), dbSNP rs760991977, ClinGen allele CA5881854.
Genomic context (GRCh38, chr11:9,989,541, plus strand): 5'-AAATATACTTACTTACATTTTTGAATAGTTGCTCAGCAAGTTCCCTGACATGCTTTATCA[T>C]CTTCACTGGGTTATTTTCTTCAACTTTAATTCTCTCTACTTCAAAGGCTACCAACTAGGA-3'
Protein context (NP_112224.1, residues 441-461): IKVEENNPVK[Met451Val]IKHVRELAEQ